The following is an entry in ClinVar:

NM_022168.4(IFIH1):c.1765+4A>G

Gene: IFIH1 (interferon induced with helicase C domain 1; minus strand). Cytogenetic location: 2q24.2.
Variant type: single nucleotide variant.
Coding change: c.1765+4A>G on transcript NM_022168.4 (MANE Select); 4 bases into the intron after coding-DNA position 1765, A replaced by G.
Molecular consequence: intron variant.
Genome position (GRCh38, 1-based): chr2:162,278,201, T>C on the plus strand (A>G on the coding strand, the complement: IFIH1 is on the minus strand). VCF-style: chr2-162278201-T-C. GRCh37 (hg19) VCF-style: chr2-163134711-T-C.
Identifiers: ClinVar variation 4782653 (VCV004782653.2).

ClinVar aggregate classification (germline): Uncertain significance. Review status: criteria provided, multiple submitters, no conflicts (2 of 4 stars). 2 submissions from 2 submitters: Uncertain significance (2). Last evaluated 2026-09-01.

Conditions:
Aicardi-Goutieres syndrome 7 (AGS7). Identifiers: Orphanet 51, MedGen C3888244, MONDO:0014367, OMIM 615846.
Singleton-Merten syndrome 1 (SGMRT1). Also called: Widened medullary cavities of bone, aortic calcification, abnormal dentition, and muscular weakness; Syndrome of widened medullary cavities of the metacarpals and phalanges, aortic calcification and abnormal dentition. Identifiers: Orphanet 85191, MedGen C4225427, MONDO:0024535, OMIM 182250.

gnomAD v4.1: 15 of 1,602,176 alleles (0.00094%); highest among the groups gnomAD compares: Non-Finnish European, 0.0013%; no homozygotes.

Submissions (2):

CeGaT Center for Human Genetics Tuebingen
Classification: Uncertain significance. Last evaluated: 2026-09-01. Review status: criteria provided, single submitter. Criteria: CeGaT Center For Human Genetics Tuebingen Variant Classification Criteria Version 2. Collection method: clinical testing. Allele origin: germline. Affected: yes. Observed: 1 variant allele.
Comment: IFIH1: PM2, BP4

Labcorp Genetics (formerly Invitae), Labcorp
Classification: Uncertain significance for Aicardi-Goutieres syndrome 7; Singleton-Merten syndrome 1. Last evaluated: 2025-10-26. Review status: criteria provided, single submitter. Criteria: Invitae Variant Classification Sherloc (09022015). Collection method: clinical testing. Allele origin: germline.
Comment: This sequence change falls in intron 9 of the IFIH1 gene. It does not directly change the encoded amino acid sequence of the IFIH1 protein. It affects a nucleotide within the consensus splice site. This variant is present in population databases (no rsID available, gnomAD 0.0009%). This variant has not been reported in the literature in individuals affected with IFIH1-related conditions. Variants that disrupt the consensus splice site are a relatively common cause of aberrant splicing (PMID: 17576681, 9536098). Algorithms developed to predict the effect of sequence changes on RNA splicing suggest that this variant may disrupt the consensus splice site. In summary, the available evidence is currently insufficient to determine the role of this variant in disease. Therefore, it has been classified as a Variant of Uncertain Significance.

Literature cited by the submitters: PubMed 17576681 (cited by Labcorp Genetics (formerly Invitae), Labcorp); PubMed 9536098 (cited by Labcorp Genetics (formerly Invitae), Labcorp).